The following is an entry in ClinVar:

NM_000143.4(FH):c.124G>T (p.Ala42Ser)

Gene: FH (fumarate hydratase; minus strand). Cytogenetic location: 1q43.
Variant type: single nucleotide variant.
Coding change: c.124G>T on transcript NM_000143.4 (MANE Select); coding-DNA position 124, G replaced by T.
Protein change: p.Ala42Ser; replaces alanine 42 with serine.
Molecular consequence: missense variant.
Genome position (GRCh38, 1-based): chr1:241,519,599, C>A on the plus strand (G>T on the coding strand, the complement: FH is on the minus strand). VCF-style: chr1-241519599-C-A. GRCh37 (hg19) VCF-style: chr1-241682899-C-A.
Other names: c.124G>T (NM_000143.3); short protein forms A42S.
Identifiers: ClinVar variation 1385174 (VCV001385174.10), dbSNP rs2147926832, ClinGen allele CA345442634.
Genomic context (GRCh38, chr1:241,519,599, plus strand): 5'-GGAGGGCTGAAGGTCACTGCGGGGAGGCCGGGGGATGGCGGCCTGCGCTCACCATTCGAG[C>A]CGCGTTCGGAGGCCAAAACGAGGGCACGGCCGCGCCACCCAAGCCGGGAGCCGAAGCTAA-3'
Protein context (NP_000134.2, residues 32-52): AVPSFWPPNA[Ala42Ser]RMASQNSFRI

ClinVar aggregate classification (germline): Uncertain significance. Review status: criteria provided, multiple submitters, no conflicts (2 of 4 stars). 3 submissions from 3 submitters: Uncertain significance (3). Last evaluated 2024-11-24.

Conditions:
Hereditary cancer-predisposing syndrome. Also called: Tumor predisposition; Neoplastic Syndromes, Hereditary; Hereditary Cancer Syndrome; Hereditary neoplastic syndrome. Identifiers: Orphanet 140162, MedGen C0027672, MeSH D009386, MONDO:0015356.

Submissions (3):

Labcorp Genetics (formerly Invitae), Labcorp
Classification: Uncertain significance. Last evaluated: 2024-11-24. Review status: criteria provided, single submitter. Criteria: Invitae Variant Classification Sherloc (09022015). Collection method: clinical testing. Allele origin: germline.
Comment: This sequence change replaces alanine, which is neutral and non-polar, with serine, which is neutral and polar, at codon 42 of the FH protein (p.Ala42Ser). This variant is not present in population databases (gnomAD no frequency). This variant has not been reported in the literature in individuals affected with FH-related conditions. ClinVar contains an entry for this variant (Variation ID: 1385174). Invitae Evidence Modeling of protein sequence and biophysical properties (such as structural, functional, and spatial information, amino acid conservation, physicochemical variation, residue mobility, and thermodynamic stability) indicates that this missense variant is not expected to disrupt FH protein function with a negative predictive value of 95%. In summary, the available evidence is currently insufficient to determine the role of this variant in disease. Therefore, it has been classified as a Variant of Uncertain Significance.

Ambry Genetics
Classification: Uncertain significance for Hereditary cancer-predisposing syndrome. Last evaluated: 2024-09-22. Review status: criteria provided, single submitter. Criteria: Ambry Variant Classification Scheme 2023. Collection method: clinical testing. Allele origin: germline.
Comment: The p.A42S variant (also known as c.124G>T), located in coding exon 1 of the FH gene, results from a G to T substitution at nucleotide position 124. The alanine at codon 42 is replaced by serine, an amino acid with similar properties. This amino acid position is conserved. In addition, the in silico prediction for this alteration is inconclusive. Based on the available evidence, the clinical significance of this variant remains unclear.

GeneDx
Classification: Uncertain significance. Last evaluated: 2023-12-10. Review status: criteria provided, single submitter. Criteria: GeneDx Variant Classification Process June 2021. Collection method: clinical testing. Allele origin: germline. Affected: yes.
Comment: Not observed at significant frequency in large population cohorts (gnomAD); In silico analysis supports that this missense variant does not alter protein structure/function; Has not been previously published as pathogenic or benign to our knowledge